The following is an entry in ClinVar:

ClinVar aggregate classification (germline): Pathogenic (1 of 4 stars; one submission).

Submission:

ISCA site 14
Classification: Pathogenic. Last evaluated: 2017-08-30. Review status: criteria provided, single submitter. Criteria: Kaminsky et al. (Genet Med. 2011). Collection method: clinical testing. Allele origin: unknown. Affected: yes. Observed: 1 variant allele.
Comment: Copy number variation identified through the course of routine clinical cytogenomic testing in postnatal populations. Clinical assertions have been curated as described in Kaminsky et al. 2011.

GRCh38/hg38 Xp22.13-22.12(chrX:18660565-19743908)x1

Genes: ADGRG2 (adhesion G protein-coupled receptor G2; minus strand), MAP3K15 (mitogen-activated protein kinase kinase kinase 15; minus strand), PDHA1 (pyruvate dehydrogenase E1 subunit alpha 1; plus strand), PHKA2 (phosphorylase kinase regulatory subunit alpha 2; minus strand), PHKA2-AS1 (PHKA2 antisense RNA 1; plus strand) and 14 more. Cytogenetic location: Xp22.13-22.12.
Variant type: copy number loss.
Change: copy number 1 of chrX:18,660,565-19,743,908 (1.08 Mb, GRCh38 coordinates, 1-based), cytogenetic band Xp22.13-22.12.
Identifiers: ClinVar variation 57649 (VCV000057649.2).